The following is an entry in ClinVar:

NM_000540.3(RYR1):c.12754G>C (p.Glu4252Gln)

Gene: RYR1 (ryanodine receptor 1; plus strand). Cytogenetic location: 19q13.2.
Variant type: single nucleotide variant.
Coding change: c.12754G>C on transcript NM_000540.3 (MANE Select); coding-DNA position 12754, G replaced by C.
Protein change: p.Glu4252Gln; replaces glutamic acid 4252 with glutamine.
Molecular consequence: missense variant.
Genome position (GRCh38, 1-based): chr19:38,565,088, G>C. VCF-style: chr19-38565088-G-C. GRCh37 (hg19) VCF-style: chr19-39055728-G-C.
Other names: c.12754G>C (NM_000540.2); c.12739G>C, p.Glu4247Gln (NM_001042723.2); short protein forms E4247Q, E4252Q.
Identifiers: ClinVar variation 1007754 (VCV001007754.8), dbSNP rs1973328675, ClinGen allele CA405671079.
Genomic context (GRCh38, chr19:38,565,088, plus strand): 5'-CTCTTCGTGAGTTTCTGCGAGGACACCATCTTCGAGATGCAGATCGCCGCGCAGATCTCG[G>C]AGCCCGAGGGCGAGCCGGAGACCGACGAGGACGAGGGCGCGGGCGCGGCGGAGGCGGGCG-3'
Protein context (NP_000531.2, residues 4242-4262): FEMQIAAQIS[Glu4252Gln]PEGEPETDED

ClinVar aggregate classification (germline): Uncertain significance. Review status: criteria provided, multiple submitters, no conflicts (2 of 4 stars). 3 submissions from 3 submitters: Uncertain significance (3). Last evaluated 2024-07-17.

Conditions:
Inborn genetic diseases. Identifiers: MedGen C0950123, MeSH D030342.
Congenital multicore myopathy with external ophthalmoplegia (CMYO1B). Also called: Minicore myopathy with external ophthalmoplegia; Congenital myopathy 1B, autosomal recessive; Minicore myopathy; MULTICORE MYOPATHY; MULTIMINICORE DISEASE WITH EXTERNAL OPHTHALMOPLEGIA. Identifiers: Orphanet 598, Orphanet 98905, MedGen C1850674, MONDO:0009712, OMIM 255320, HP:0003789.
Malignant hyperthermia, susceptibility to, 1 (MHS1). Also called: RYR1-Related Malignant Hyperthermia Susceptibility; Anesthesia related hyperthermia; Malignant hyperpyrexia; Fulminating hyperpyrexia; Pharmacogenic myopathy; Malignant hyperthermia suceptibility 1. Identifiers: Orphanet 423, MedGen C2930980, MONDO:0007783, OMIM 145600.
King Denborough syndrome (KDS). Identifiers: MedGen C1840365, MONDO:0020485, OMIM 619542.
Central core myopathy (CMYO1A). Also called: Central core disease; Myopathy, central fibrillar; CONGENITAL MYOPATHY 1A, AUTOSOMAL DOMINANT, WITH SUSCEPTIBILITY TO MALIGNANT HYPERTHERMIA. Identifiers: Orphanet 597, MedGen C5830701, MONDO:0007294, OMIM 117000.
Congenital myopathy with fiber type disproportion. Also called: Congenital fiber-type disproportion myopathy; Congenital fiber-type disproportion. Identifiers: Orphanet 2020, MedGen C0546264, MONDO:0009711. Inheritance: all.
RYR1-related disorder. Also called: RYR1-related disorders; RYR1-related condition. Identifiers: MedGen CN239331.

Allele frequency attached by ClinVar (database versions not stated): gnomAD exomes below 0.00001.
gnomAD v4.1: 7 of 1,553,532 alleles (0.00045%); highest among the groups gnomAD compares: Non-Finnish European, 0.00052%; no homozygotes.

Submissions (3):

Ambry Genetics
Classification: Uncertain significance for Inborn genetic diseases. Last evaluated: 2024-07-17. Review status: criteria provided, single submitter. Criteria: Ambry Variant Classification Scheme 2023. Collection method: clinical testing. Allele origin: germline.

Fulgent Genetics
Classification: Uncertain significance for Central core myopathy; Malignant hyperthermia, susceptibility to, 1; Congenital myopathy 4A, autosomal dominant; Congenital multicore myopathy with external ophthalmoplegia; King Denborough syndrome. Last evaluated: 2021-10-25. Review status: criteria provided, single submitter. Criteria: ACMG Guidelines, 2015. Collection method: clinical testing. Allele origin: unknown.

Labcorp Genetics (formerly Invitae), Labcorp
Classification: Uncertain significance for RYR1-related disorder. Last evaluated: 2021-08-27. Review status: criteria provided, single submitter. Criteria: Invitae Variant Classification Sherloc (09022015). Collection method: clinical testing. Allele origin: germline.
Comment: This sequence change replaces glutamic acid with glutamine at codon 4252 of the RYR1 protein (p.Glu4252Gln). The glutamic acid residue is moderately conserved and there is a small physicochemical difference between glutamic acid and glutamine. The frequency data for this variant in the population databases is considered unreliable, as metrics indicate insufficient coverage at this position in the ExAC database. This variant has not been reported in the literature in individuals affected with RYR1-related conditions. Algorithms developed to predict the effect of missense changes on protein structure and function (SIFT, PolyPhen-2, Align-GVGD) all suggest that this variant is likely to be tolerated. In summary, the available evidence is currently insufficient to determine the role of this variant in disease. Therefore, it has been classified as a Variant of Uncertain Significance.